The following is an entry in ClinVar:

ClinVar aggregate classification (germline): Uncertain significance (1 of 4 stars; one submission).

Conditions:
Myofibrillar myopathy 4. Also called: Zaspopathy (type). Identifiers: Orphanet 98912, MedGen C4721886, MONDO:0012277, OMIM 609452.

Submission:

Labcorp Genetics (formerly Invitae), Labcorp
Classification: Uncertain significance for Myofibrillar myopathy 4. Last evaluated: 2026-01-07. Review status: criteria provided, single submitter. Criteria: Invitae Variant Classification Sherloc (09022015). Collection method: clinical testing. Allele origin: germline.
Comment: The LDB3 gene has multiple clinically relevant transcripts. This variant occurs in alternate transcript NM_007078.3, and corresponds to NM_001080116.1:c.*16950C>T in the primary transcript. This sequence change falls in intron 9 of the LDB3 gene. It does not directly change the encoded amino acid sequence of the LDB3 protein. It affects a nucleotide within the consensus splice site. This variant is not present in population databases (gnomAD no frequency). This variant has not been reported in the literature in individuals affected with LDB3-related conditions. Experimental studies and prediction algorithms are not available or were not evaluated, and the functional significance of this variant is currently unknown. Variants that disrupt the consensus splice site are a relatively common cause of aberrant splicing (PMID: 17576681, 9536098). In summary, the available evidence is currently insufficient to determine the role of this variant in disease. Therefore, it has been classified as a Variant of Uncertain Significance.

Literature cited by the submitters: PubMed 17576681; PubMed 9536098.

NM_007078.3(LDB3):c.1232-3C>T

Gene: LDB3 (LIM domain binding 3; plus strand). Cytogenetic location: 10q23.2.
Variant type: single nucleotide variant.
Coding change: c.1232-3C>T on transcript NM_007078.3 (MANE Select); 3 bases into the intron before coding-DNA position 1232, C replaced by T.
Molecular consequence: intron variant.
Genome position (GRCh38, 1-based): chr10:86,716,324, C>T. VCF-style: chr10-86716324-C-T. GRCh37 (hg19) VCF-style: chr10-88476081-C-T.
Other names: c.1043-3C>T (NM_001368064.1, NM_001368065.1); c.1247-3C>T (NM_001171610.2); c.1091-3C>T (NM_001368066.1); c.902-3C>T (NM_001080114.2).
Identifiers: ClinVar variation 4733723 (VCV004733723.1).
Genomic context (GRCh38, chr10:86,716,324, plus strand): 5'-AGGGGAACTGGGAAGAATGAATTCCTGACACACCTTTCTTTGGGTTTTTTTTGGCTTTTG[C>T]AGTGCCTGCATCTACCTACAGCCCGTCCCCAGGGGCCAATTACAGTCCCACTCCCTACAC-3'